The following is an entry in ClinVar:

NM_005896.4(IDH1):c.1188G>T (p.Glu396Asp)

Gene: IDH1 (isocitrate dehydrogenase (NADP(+)) 1; minus strand). Cytogenetic location: 2q34.
Variant type: single nucleotide variant.
Coding change: c.1188G>T on transcript NM_005896.4 (MANE Select); coding-DNA position 1188, G replaced by T.
Protein change: p.Glu396Asp; replaces glutamic acid 396 with aspartic acid.
Molecular consequence: missense variant.
Genome position (GRCh38, 1-based): chr2:208,237,136, C>A on the plus strand (G>T on the coding strand, the complement: IDH1 is on the minus strand). VCF-style: chr2-208237136-C-A. GRCh37 (hg19) VCF-style: chr2-209101860-C-A.
Other names: c.1188G>T, p.Glu396Asp (NM_001282386.1, NM_001282387.1); short protein forms E396D.
Identifiers: ClinVar variation 3285247 (VCV003285247.1).

ClinVar aggregate classification (germline): Uncertain significance (1 of 4 stars; one submission).

Submission:

Ambry Genetics
Classification: Uncertain significance. Last evaluated: 2024-06-14. Review status: criteria provided, single submitter. Criteria: Ambry Variant Classification Scheme 2023. Collection method: clinical testing. Allele origin: germline.
Comment: The p.E396D variant (also known as c.1188G>T), located in coding exon 8 of the IDH1 gene, results from a G to T substitution at nucleotide position 1188. The glutamic acid at codon 396 is replaced by aspartic acid, an amino acid with highly similar properties. This amino acid position is conserved. In addition, this alteration is predicted to be tolerated by in silico analysis. Based on the available evidence, the clinical significance of this variant remains unclear.